The following is an entry in ClinVar:

ClinVar aggregate classification (germline): Uncertain significance (1 of 4 stars; one submission).

Conditions:
SLC24A1-related disorder. Also called: SLC24A1-related condition.

Submission:

PreventionGenetics, part of Exact Sciences
Classification: Uncertain significance for SLC24A1-related condition. Last evaluated: 2026-06-25. Review status: criteria provided, single submitter. Criteria: ACMG Guidelines, 2015. Collection method: clinical testing. Allele origin: germline.
Comment: The SLC24A1 c.2080_2082delGAG variant is predicted to result in an in-frame deletion (p.Glu694del). To our knowledge, this variant has not been reported in the literature. This variant is reported in 0.0038% of alleles in individuals of South Asian descent in gnomAD. At this time, the clinical significance of this variant is uncertain due to the absence of conclusive functional and genetic evidence.

NM_004727.3(SLC24A1):c.2074GAG[2] (p.Glu694del)

Gene: SLC24A1 (solute carrier family 24 member 1; plus strand). Cytogenetic location: 15q22.31.
Variant type: Microsatellite.
Coding change: c.2074GAG[2] on transcript NM_004727.3 (MANE Select); two copies in a row of the 3-base unit GAG starting at c.2074; the reference has three copies in a row; one copy, 3 bases deleted.
Protein change: p.Glu694del; deletes glutamic acid 694.
Molecular consequence: inframe deletion. On other transcripts: intron variant (1).
Genome position (GRCh38, 1-based): chr15:65,644,453-65,644,455, GAG deleted; deleting any 3 consecutive bases within chr15:65,644,445-65,644,455 gives the same sequence; the position shown is the placement nearest the transcript's 3' end. VCF-style (leftmost placement, unchanged base first): chr15-65644444-AAGG-A. GRCh37 (hg19) VCF-style: chr15-65936782-AAGG-A.
Other names: c.55GAG[2], p.Glu21del (NM_001254740.2); c.2074GAG[2], p.Glu694del (NM_001301031.1); c.2020GAG[2], p.Glu676del (NM_001301032.1, NM_001301033.2); c.1891-5937AGG[2] (NM_001411142.1); short protein forms E21del, E676del, E694del.
Identifiers: ClinVar variation 4978807 (VCV004978807.1).